The following is an entry in ClinVar:

ClinVar aggregate classification (germline): Uncertain significance (1 of 4 stars; one submission).

Submission:

Labcorp Genetics (formerly Invitae), Labcorp
Classification: Uncertain significance. Last evaluated: 2024-08-17. Review status: criteria provided, single submitter. Criteria: Invitae Variant Classification Sherloc (09022015). Collection method: clinical testing. Allele origin: germline.
Comment: This sequence change replaces serine, which is neutral and polar, with cysteine, which is neutral and slightly polar, at codon 3227 of the KMT2A protein (p.Ser3227Cys). This variant is not present in population databases (gnomAD no frequency). This variant has not been reported in the literature in individuals affected with KMT2A-related conditions. Invitae Evidence Modeling of protein sequence and biophysical properties (such as structural, functional, and spatial information, amino acid conservation, physicochemical variation, residue mobility, and thermodynamic stability) indicates that this missense variant is not expected to disrupt KMT2A protein function with a negative predictive value of 95%. In summary, the available evidence is currently insufficient to determine the role of this variant in disease. Therefore, it has been classified as a Variant of Uncertain Significance.

NM_001197104.2(KMT2A):c.9680C>G (p.Ser3227Cys)

Gene: KMT2A (lysine methyltransferase 2A; plus strand). Cytogenetic location: 11q23.3.
Variant type: single nucleotide variant.
Coding change: c.9680C>G on transcript NM_001197104.2 (MANE Select); coding-DNA position 9680, C replaced by G.
Protein change: p.Ser3227Cys; replaces serine 3227 with cysteine.
Molecular consequence: missense variant.
Genome position (GRCh38, 1-based): chr11:118,505,572, C>G. VCF-style: chr11-118505572-C-G. GRCh37 (hg19) VCF-style: chr11-118376287-C-G.
Other names: c.9770C>G, p.Ser3257Cys (NM_001412597.1); c.9671C>G, p.Ser3224Cys (NM_005933.4); short protein forms S3227C, S3224C, S3257C.
Identifiers: ClinVar variation 3634353 (VCV003634353.2).